The following is an entry in ClinVar:

NM_182760.4(SUMF1):c.1006T>C (p.Cys336Arg)

Gene: SUMF1 (sulfatase modifying factor 1; minus strand). Cytogenetic location: 3p26.1.
Variant type: single nucleotide variant.
Coding change: c.1006T>C on transcript NM_182760.4 (MANE Select); coding-DNA position 1006, T replaced by C.
Protein change: p.Cys336Arg; replaces cysteine 336 with arginine.
Molecular consequence: missense variant. On other transcripts: intron variant (1).
Genome position (GRCh38, 1-based): chr3:4,376,338, A>G on the plus strand (T>C on the coding strand, the complement: SUMF1 is on the minus strand). VCF-style: chr3-4376338-A-G. GRCh37 (hg19) VCF-style: chr3-4418022-A-G.
Other names: c.1006T>C (NM_182760.3); c.931T>C, p.Cys311Arg (NM_001164674.2); c.955-14084T>C (NM_001164675.2); short protein forms C336R, C311R.
Identifiers: ClinVar variation 2668 (VCV000002668.2), dbSNP rs137852848, ClinGen allele CA115673.

ClinVar aggregate classification (germline): Likely pathogenic. Review status: criteria provided, single submitter (1 of 4 stars). 2 submissions from 2 submitters: Likely pathogenic (1). 1 of the submissions does not count toward it. Last evaluated 2026-01-20.

Conditions:
Multiple sulfatase deficiency (MSD). Also called: Multiple Sulfatase Deficiency Disease; Mucosulfatidosis; Sulfatidosis, Juvenile, Austin Type. Identifiers: Orphanet 585, MedGen C0268263, MONDO:0010088, OMIM 272200.

Submissions (2):

Natera, Inc.
Classification: Likely pathogenic for Multiple sulfatase deficiency. Last evaluated: 2026-01-20. Review status: criteria provided, single submitter. Criteria: Natera Variant Classification Schema (03/2026). Collection method: clinical testing. Allele origin: germline.
Comment: The c.1006T>C variant in SUMF1 is a missense variant predicted to cause substitution of cysteine to arginine at amino acid 336. This variant is rare in the general population with a frequency below the threshold expected for the associated phenotype(s). This variant has been observed in one or more individuals affected with the associated recessive disease, as either homozygous or compound heterozygous with a second variant (PMID: 15146462). Functional studies show that this variant may disrupt protein function (PMID: 15146462, 17206939, 17657823, 32621519, 17446859). Computational prediction algorithms indicate this variant is likely to affect gene or protein function. Given the available evidence, this variant is classified as Likely Pathogenic.

OMIM
Classification: Pathogenic for MULTIPLE SULFATASE DEFICIENCY. Last evaluated: 2003-05-16. Review status: no assertion criteria provided. Collection method: literature only. Allele origin: germline. Not counted in ClinVar's aggregate classification.

Literature cited by the submitters: PubMed 15146462 (cited by Natera, Inc.); PubMed 17206939 (cited by Natera, Inc.); PubMed 17657823 (cited by Natera, Inc.); PubMed 32621519 (cited by Natera, Inc.); PubMed 17446859 (cited by Natera, Inc.); PubMed 12757705 (cited by OMIM); PubMed 12757706 (cited by OMIM).